The following is an entry in ClinVar:

ClinVar aggregate classification (germline): Pathogenic. Review status: criteria provided, multiple submitters, no conflicts (2 of 4 stars). 2 submissions from 2 submitters: Pathogenic (2). Last evaluated 2025-09-10.

Conditions:
Autosomal recessive inherited pseudoxanthoma elasticum (PXE). Identifiers: Orphanet 758, MedGen CN032334, MONDO:0009925, OMIM 264800.

Allele frequency attached by ClinVar (database versions not stated): ExAC 0.00001; gnomAD exomes 0.00001.
gnomAD v4.1: 5 of 1,612,778 alleles (0.00031%); highest among the groups gnomAD compares: Non-Finnish European, 0.00042%; no homozygotes.

Submissions (2):

Labcorp Genetics (formerly Invitae), Labcorp
Classification: Pathogenic. Last evaluated: 2025-09-10. Review status: criteria provided, single submitter. Criteria: Invitae Variant Classification Sherloc (09022015). Collection method: clinical testing. Allele origin: germline.
Comment: This sequence change affects codon 1347 of the ABCC6 mRNA. It is a 'silent' change, meaning that it does not change the encoded amino acid sequence of the ABCC6 protein. RNA analysis indicates that this variant induces altered splicing and likely results in a shortened protein product. This variant is present in population databases (rs63751111, gnomAD 0.002%). This variant has been observed in individual(s) with pseudoxanthoma elasticum (PMID: 31240106). It has also been observed to segregate with disease in related individuals. ClinVar contains an entry for this variant (Variation ID: 599399). Variants that disrupt the consensus splice site are a relatively common cause of aberrant splicing (PMID: 17576681, 9536098). Studies have shown that this variant results in skipping of exon 28, but is expected to preserve the integrity of the reading-frame (PMID: 31240106). For these reasons, this variant has been classified as Pathogenic.

Medical Genetics UMG, Mater Domini University Hospital/ Magna Graecia University of Catanzaro
Classification: Pathogenic for Autosomal recessive inherited pseudoxanthoma elasticum. Review status: criteria provided, single submitter. Criteria: ACMG Guidelines, 2015. Collection method: clinical testing, in vitro. Allele origin: germline, not applicable. Inheritance: Autosomal recessive inheritance. Affected: yes. Observed: 1 homozygote.
Comment: c.4041 G>A variant affects the splicing of exon 28 of ABCC6 gene generating an mRNA with a skipped exon 28 (our in vitro study). In vitro functional studies indicate the significance of exon 28 of ABCC6 because a significant decrease in the ABCC6 transport activity was detected in three mutants generated with changes in residues encoded by the exon 28 (PMID:11880368). This variant has a frequency of 2/241074 alleles in the gnomAD database. This variant is present in a homozygous state in two affected siblings and their heterozygous parents are not affected.

Literature cited by the submitters: PubMed 31240106 (cited by Labcorp Genetics (formerly Invitae), Labcorp and Medical Genetics UMG, Mater Domini University Hospital/ Magna Graecia University of Catanzaro); PubMed 17576681 (cited by Labcorp Genetics (formerly Invitae), Labcorp); PubMed 9536098 (cited by Labcorp Genetics (formerly Invitae), Labcorp).

NM_001171.6(ABCC6):c.4041G>A (p.Gln1347=)

Gene: ABCC6 (ATP binding cassette subfamily C member 6; minus strand). Cytogenetic location: 16p13.11.
Variant type: single nucleotide variant.
Coding change: c.4041G>A on transcript NM_001171.6 (MANE Select); coding-DNA position 4041, G replaced by A.
Protein change: p.Gln1347=; no amino-acid change (glutamine 1347 retained).
Molecular consequence: synonymous variant. On other transcripts: non-coding transcript variant (1).
Genome position (GRCh38, 1-based): chr16:16,154,873, C>T on the plus strand (G>A on the coding strand, the complement: ABCC6 is on the minus strand). VCF-style: chr16-16154873-C-T. GRCh37 (hg19) VCF-style: chr16-16248730-C-T.
Other names: c.3699G>A, p.Gln1233= (NM_001351800.1).
Identifiers: ClinVar variation 599399 (VCV000599399.4), dbSNP rs63751111, ClinGen allele CA7925345.